The following is an entry in ClinVar:

NM_025099.6(CTC1):c.3387+1G>A

Gene: CTC1 (CST telomere replication complex component 1; minus strand). Cytogenetic location: 17p13.1.
Variant type: single nucleotide variant.
Coding change: c.3387+1G>A on transcript NM_025099.6 (MANE Select); the canonical splice donor site of the intron after coding-DNA position 3387, G replaced by A.
Molecular consequence: splice donor variant. On other transcripts: intron variant (1).
Genome position (GRCh38, 1-based): chr17:8,228,726, C>T on the plus strand (G>A on the coding strand, the complement: CTC1 is on the minus strand). VCF-style: chr17-8228726-C-T. GRCh37 (hg19) VCF-style: chr17-8132044-C-T.
Other names: c.3157-97G>A (NM_001411067.1).
Identifiers: ClinVar variation 1490227 (VCV001490227.6), dbSNP rs1242486415, ClinGen allele CA397968979.

ClinVar aggregate classification (germline): Likely pathogenic (1 of 4 stars; one submission).

Conditions:
Dyskeratosis congenita. Identifiers: Orphanet 1775, MedGen C0265965, MONDO:0015780.

Allele frequency attached by ClinVar (database versions not stated): TOPMed below 0.00001.

Submission:

Labcorp Genetics (formerly Invitae), Labcorp
Classification: Likely pathogenic for Dyskeratosis congenita. Last evaluated: 2022-03-10. Review status: criteria provided, single submitter. Criteria: Invitae Variant Classification Sherloc (09022015). Collection method: clinical testing. Allele origin: germline.
Comment: In summary, the currently available evidence indicates that the variant is pathogenic, but additional data are needed to prove that conclusively. Therefore, this variant has been classified as Likely Pathogenic. Algorithms developed to predict the effect of sequence changes on RNA splicing suggest that this variant may disrupt the consensus splice site. This variant has not been reported in the literature in individuals affected with CTC1-related conditions. This variant is not present in population databases (gnomAD no frequency). This sequence change affects a donor splice site in intron 21 of the CTC1 gene. It is expected to disrupt RNA splicing. Variants that disrupt the donor or acceptor splice site typically lead to a loss of protein function (PMID: 16199547), and loss-of-function variants in CTC1 are known to be pathogenic (PMID: 22267198, 22387016).

Literature cited by the submitters: PubMed 16199547; PubMed 22267198; PubMed 22387016.